The following is an entry in ClinVar:

NM_000492.4(CFTR):c.4177G>T (p.Ala1393Ser)

Gene: CFTR (CF transmembrane conductance regulator; plus strand). Cytogenetic location: 7q31.2.
Variant type: single nucleotide variant.
Coding change: c.4177G>T on transcript NM_000492.4 (MANE Select); coding-DNA position 4177, G replaced by T.
Protein change: p.Ala1393Ser; replaces alanine 1393 with serine.
Molecular consequence: missense variant.
Genome position (GRCh38, 1-based): chr7:117,665,499, G>T. VCF-style: chr7-117665499-G-T. GRCh37 (hg19) VCF-style: chr7-117305553-G-T.
Other names: short protein forms A1393S.
Identifiers: ClinVar variation 4992853 (VCV004992853.1).

ClinVar aggregate classification (germline): Uncertain significance (1 of 4 stars; one submission).

Conditions:
CFTR-related disorder (CFTR-RD). Also called: CFTR-related disorders; CFTR-related condition. Identifiers: MedGen C5924204, MONDO:7770004.

Submission:

PreventionGenetics, part of Exact Sciences
Classification: Uncertain significance for CFTR-related condition. Last evaluated: 2026-08-15. Review status: criteria provided, single submitter. Criteria: ACMG Guidelines, 2015. Collection method: clinical testing. Allele origin: germline.
Comment: The CFTR c.4177G>T variant is predicted to result in the amino acid substitution p.Ala1393Ser. To our knowledge, this variant has not been reported in the literature or in a large population database (gnomAD), indicating this variant is rare. At this time, the clinical significance of this variant is uncertain due to the absence of conclusive functional and genetic evidence.